The following is an entry in ClinVar:

NM_006642.5(SDCCAG8):c.1270A>G (p.Lys424Glu)

Gene: SDCCAG8 (SHH signaling and ciliogenesis regulator SDCCAG8; plus strand). Cytogenetic location: 1q43.
Variant type: single nucleotide variant.
Coding change: c.1270A>G on transcript NM_006642.5 (MANE Select); coding-DNA position 1270, A replaced by G.
Protein change: p.Lys424Glu; replaces lysine 424 with glutamic acid.
Molecular consequence: missense variant.
Genome position (GRCh38, 1-based): chr1:243,341,087, A>G. VCF-style: chr1-243341087-A-G. GRCh37 (hg19) VCF-style: chr1-243504389-A-G.
Other names: c.367A>G, p.Lys123Glu (NM_001350246.2, NM_001350247.2, NM_001350251.2); c.1366A>G, p.Lys456Glu (NM_001350248.2); c.976A>G, p.Lys326Glu (NM_001350249.2); short protein forms K123E, K326E, K456E, K424E.
Identifiers: ClinVar variation 4995195 (VCV004995195.1).

ClinVar aggregate classification (germline): Uncertain significance (1 of 4 stars; one submission).

Conditions:
SDCCAG8-related disorder. Also called: SDCCAG8-related condition; SDCCAG8-Related Disorders.

gnomAD v4.1: 4 of 1,614,076 alleles (0.00025%); highest among the groups gnomAD compares: Non-Finnish European, 0.00025%; no homozygotes.

Submission:

PreventionGenetics, part of Exact Sciences
Classification: Uncertain significance for SDCCAG8-related condition. Last evaluated: 2026-09-02. Review status: criteria provided, single submitter. Criteria: ACMG Guidelines, 2015. Collection method: clinical testing. Allele origin: germline.
Comment: The SDCCAG8 c.1270A>G variant is predicted to result in the amino acid substitution p.Lys424Glu. To our knowledge, this variant has not been reported in the literature or in a large population database (gnomAD), indicating this variant is rare. At this time, the clinical significance of this variant is uncertain due to the absence of conclusive functional and genetic evidence.